The following is an entry in ClinVar:

ClinVar aggregate classification (germline): Uncertain significance (1 of 4 stars; one submission).

Conditions:
Osteogenesis imperfecta type 7 (OI7). Also called: Osteogenesis imperfecta type 2B; OI type 2B; Osteogenesis imperfecta, perinatal lethal autosomal recessive; OI type IIB; OI type 7; OI type VII. Identifiers: MedGen C1853162, MONDO:0012536, OMIM 610682.

Allele frequency attached by ClinVar (database versions not stated): gnomAD exomes below 0.00001.
gnomAD v4.1: 2 of 1,560,666 alleles (0.00013%); highest among the groups gnomAD compares: Non-Finnish European, 0.00017%; no homozygotes.

Submission:

Labcorp Genetics (formerly Invitae), Labcorp
Classification: Uncertain significance for Osteogenesis imperfecta type 7. Last evaluated: 2021-08-31. Review status: criteria provided, single submitter. Criteria: Invitae Variant Classification Sherloc (09022015). Collection method: clinical testing. Allele origin: germline.
Comment: This sequence change replaces arginine with histidine at codon 75 of the CRTAP protein (p.Arg75His). The arginine residue is highly conserved and there is a small physicochemical difference between arginine and histidine. The frequency data for this variant in the population databases is considered unreliable, as metrics indicate insufficient coverage at this position in the ExAC database. This variant has not been reported in the literature in individuals affected with CRTAP-related conditions. Algorithms developed to predict the effect of missense changes on protein structure and function are either unavailable or do not agree on the potential impact of this missense change (SIFT: "Deleterious"; PolyPhen-2: "Probably Damaging"; Align-GVGD: "Class C0"). In summary, the available evidence is currently insufficient to determine the role of this variant in disease. Therefore, it has been classified as a Variant of Uncertain Significance.

NM_006371.5(CRTAP):c.224G>A (p.Arg75His)

Gene: CRTAP (cartilage associated protein; plus strand). Cytogenetic location: 3p22.3.
Variant type: single nucleotide variant.
Coding change: c.224G>A on transcript NM_006371.5 (MANE Select); coding-DNA position 224, G replaced by A.
Protein change: p.Arg75His; replaces arginine 75 with histidine.
Molecular consequence: missense variant.
Genome position (GRCh38, 1-based): chr3:33,114,301, G>A. VCF-style: chr3-33114301-G-A. GRCh37 (hg19) VCF-style: chr3-33155793-G-A.
Other names: c.224G>A, p.Arg75His (NM_001393363.1, NM_001393364.1, NM_001393365.1); short protein forms R75H.
Identifiers: ClinVar variation 1416190 (VCV001416190.5), dbSNP rs1488937584, ClinGen allele CA352008407.